The following is an entry in ClinVar:

NM_080669.6(SLC46A1):c.299C>T (p.Ser100Leu)

Gene: SLC46A1 (solute carrier family 46 member 1; minus strand). Cytogenetic location: 17q11.2.
Variant type: single nucleotide variant.
Coding change: c.299C>T on transcript NM_080669.6 (MANE Select); coding-DNA position 299, C replaced by T.
Protein change: p.Ser100Leu; replaces serine 100 with leucine.
Molecular consequence: missense variant.
Genome position (GRCh38, 1-based): chr17:28,405,398, G>A on the plus strand (C>T on the coding strand, the complement: SLC46A1 is on the minus strand). VCF-style: chr17-28405398-G-A. GRCh37 (hg19) VCF-style: chr17-26732416-G-A.
Other names: c.299C>T, p.Ser100Leu (NM_001242366.3); short protein forms S100L.
Identifiers: ClinVar variation 2163384 (VCV002163384.1), dbSNP rs782420184, ClinGen allele CA8458353.

ClinVar aggregate classification (germline): Uncertain significance (1 of 4 stars; one submission).

Allele frequency attached by ClinVar (database versions not stated): ExAC 0.00002.

Submission:

Labcorp Genetics (formerly Invitae), Labcorp
Classification: Uncertain significance. Last evaluated: 2022-10-01. Review status: criteria provided, single submitter. Criteria: Invitae Variant Classification Sherloc (09022015). Collection method: clinical testing. Allele origin: germline.
Comment: This sequence change replaces serine, which is neutral and polar, with leucine, which is neutral and non-polar, at codon 100 of the SLC46A1 protein (p.Ser100Leu). The frequency data for this variant in the population databases is considered unreliable, as metrics indicate poor data quality at this position in the gnomAD database. This variant has not been reported in the literature in individuals affected with SLC46A1-related conditions. Experimental studies and prediction algorithms are not available or were not evaluated, and the functional significance of this variant is currently unknown. In summary, the available evidence is currently insufficient to determine the role of this variant in disease. Therefore, it has been classified as a Variant of Uncertain Significance.